The following is an entry in ClinVar:

NM_000053.4(ATP7B):c.4010C>G (p.Pro1337Arg)

Gene: ATP7B (ATPase copper transporting beta; minus strand). Cytogenetic location: 13q14.3.
Variant type: single nucleotide variant.
Coding change: c.4010C>G on transcript NM_000053.4 (MANE Select); coding-DNA position 4010, C replaced by G.
Protein change: p.Pro1337Arg; replaces proline 1337 with arginine.
Molecular consequence: missense variant.
Genome position (GRCh38, 1-based): chr13:51,937,287, G>C on the plus strand (C>G on the coding strand, the complement: ATP7B is on the minus strand). VCF-style: chr13-51937287-G-C. GRCh37 (hg19) VCF-style: chr13-52511423-G-C.
Other names: c.3389C>G, p.Pro1130Arg (NM_001005918.3); c.3677C>G, p.Pro1226Arg (NM_001243182.2); c.3776C>G, p.Pro1259Arg (NM_001330578.2, NM_001406527.1, NM_001406528.1); c.3758C>G, p.Pro1253Arg (NM_001330579.2, NM_001406531.1, NM_001406532.1); c.4010C>G, p.Pro1337Arg (NM_001406511.1, NM_001406512.1); c.4004C>G, p.Pro1335Arg (NM_001406513.1); c.3977C>G, p.Pro1326Arg (NM_001406514.1); c.3956C>G, p.Pro1319Arg (NM_001406515.1, NM_001406516.1); and 21 more; short protein forms P1056R, P1110R, P1121R, P1130R, P1143R, P1173R, P1175R, P1188R.
Identifiers: ClinVar variation 3622658 (VCV003622658.2).
Genomic context (GRCh38, chr13:51,937,287, plus strand): 5'-AGAAGCCTTTCTGGGCGCAGCTGGAGCACAGTGGGTAAGAGCTGCCTACCTGCTGCAATG[G>C]GTATCCCAACCAGGTTATAAATCAGTGCCAGGACCAGGTTGATGCGTATCCTTCGGACAG-3'
Protein context (NP_000044.2, residues 1327-1347): LALIYNLVGI[Pro1337Arg]IAAGVFMPIG

ClinVar aggregate classification (germline): Pathogenic (1 of 4 stars; one submission).

Conditions:
Wilson disease (WND). Also called: Wilson's disease. Identifiers: Orphanet 905, MedGen C0019202, MONDO:0010200, OMIM 277900. Disease mechanism: loss of function.

Submission:

Labcorp Genetics (formerly Invitae), Labcorp
Classification: Pathogenic for Wilson disease. Last evaluated: 2024-12-03. Review status: criteria provided, single submitter. Criteria: Invitae Variant Classification Sherloc (09022015). Collection method: clinical testing. Allele origin: germline.
Comment: This sequence change replaces proline, which is neutral and non-polar, with arginine, which is basic and polar, at codon 1337 of the ATP7B protein (p.Pro1337Arg). This variant is not present in population databases (gnomAD no frequency). This missense change has been observed in individual(s) with Wilson disease (internal data). In at least one individual the data is consistent with being in trans (on the opposite chromosome) from a pathogenic variant. Invitae Evidence Modeling of protein sequence and biophysical properties (such as structural, functional, and spatial information, amino acid conservation, physicochemical variation, residue mobility, and thermodynamic stability) indicates that this missense variant is expected to disrupt ATP7B protein function with a positive predictive value of 80%. This variant disrupts the p.Pro1337 amino acid residue in ATP7B. Other variant(s) that disrupt this residue have been observed in individuals with ATP7B-related conditions (PMID: 30230192, 35220961), which suggests that this may be a clinically significant amino acid residue. For these reasons, this variant has been classified as Pathogenic.

Literature cited by the submitters: PubMed 30230192; PubMed 35220961.